The following is an entry in ClinVar:

NM_000091.5(COL4A3):c.576_593del (p.Val194_Pro199del)

Genes: COL4A3 (collagen type IV alpha 3 chain; plus strand), MFF-DT (MFF divergent transcript; minus strand). Cytogenetic location: 2q36.3.
Variant type: Deletion.
Coding change: c.576_593del on transcript NM_000091.5 (MANE Select); coding-DNA positions 576 to 593, 18 bases deleted (GCCTGTTGGCCCACCTGG).
Protein change: p.Val194_Pro199del.
Molecular consequence: inframe deletion.
Genome position (GRCh38, 1-based): chr2:227,251,169-227,251,186, GCCTGTTGGCCCACCTGG deleted; deleting any 18 consecutive bases within chr2:227,251,164-227,251,186 gives the same sequence; the c. name uses the placement nearest the transcript's 3' end. VCF-style (leftmost placement, unchanged base first): chr2-227251163-TCCTGGGCCTGTTGGCCCA-T. GRCh37 (hg19) VCF-style: chr2-228115879-TCCTGGGCCTGTTGGCCCA-T.
Identifiers: ClinVar variation 3068358 (VCV003068358.1), dbSNP rs2469543418, ClinGen allele CA2825001095.

ClinVar aggregate classification (germline): Likely pathogenic (1 of 4 stars; one submission).

Conditions:
Autosomal dominant Alport syndrome (ATS3A). Also called: ALPORT SYNDROME 3A, AUTOSOMAL DOMINANT; Alport syndrome dominant type; Renal failure and sensorineural hearing loss. Identifiers: Orphanet 63, Orphanet 88918, MedGen C5882663, MONDO:0007086, OMIM 104200.

Submission:

MVZ Medizinische Genetik Mainz
Classification: Likely pathogenic for Autosomal dominant Alport syndrome. Last evaluated: 2023-02-20. Review status: criteria provided, single submitter. Criteria: UK Practice Guidelines For Variant Classification V4 01 2020. Collection method: clinical testing. Allele origin: germline. Inheritance: Autosomal dominant inheritance. Affected: yes. Observed: 1 variant allele.
Comment: ACMG Criteria: PM1, PM4, PM2_SUP, PP3, PP4 (ACMG Version 4)